The following is an entry in ClinVar:

NM_000091.5(COL4A3):c.842A>C (p.Glu281Ala)

Genes: COL4A3 (collagen type IV alpha 3 chain; plus strand), MFF-DT (MFF divergent transcript; minus strand). Cytogenetic location: 2q36.3.
Variant type: single nucleotide variant.
Coding change: c.842A>C on transcript NM_000091.5 (MANE Select); coding-DNA position 842, A replaced by C.
Protein change: p.Glu281Ala; replaces glutamic acid 281 with alanine.
Molecular consequence: missense variant.
Genome position (GRCh38, 1-based): chr2:227,254,669, A>C. VCF-style: chr2-227254669-A-C. GRCh37 (hg19) VCF-style: chr2-228119385-A-C.
Other names: short protein forms E281A.
Identifiers: ClinVar variation 3771621 (VCV003771621.13).

ClinVar aggregate classification (germline): Uncertain significance (1 of 4 stars; one submission).

gnomAD v4.1: 4 of 1,613,002 alleles (0.00025%); highest among the groups gnomAD compares: Middle Eastern, 0.017%; no homozygotes.

Submission:

CeGaT Center for Human Genetics Tuebingen
Classification: Uncertain significance. Last evaluated: 2024-12-01. Review status: criteria provided, single submitter. Criteria: CeGaT Center For Human Genetics Tuebingen Variant Classification Criteria Version 2. Collection method: clinical testing. Allele origin: germline. Affected: yes. Observed: 1 variant allele.
Comment: COL4A3: PM2